The following is an entry in ClinVar:

NM_001039591.3(USP9X):c.5341G>A (p.Val1781Ile)

Gene: USP9X (ubiquitin specific peptidase 9 X-linked; plus strand). Cytogenetic location: Xp11.4.
Variant type: single nucleotide variant.
Coding change: c.5341G>A on transcript NM_001039591.3 (MANE Select); coding-DNA position 5341, G replaced by A.
Protein change: p.Val1781Ile; replaces valine 1781 with isoleucine.
Molecular consequence: missense variant.
Genome position (GRCh38, 1-based): chrX:41,215,908, G>A. VCF-style: chrX-41215908-G-A. GRCh37 (hg19) VCF-style: chrX-41075161-G-A.
Other names: c.5341G>A, p.Val1781Ile (NM_001039590.3); c.5356G>A, p.Val1786Ile (NM_001410748.1, NM_001410749.1); short protein forms V1781I, V1786I.
Identifiers: ClinVar variation 2790925 (VCV002790925.4), dbSNP rs2519370513, ClinGen allele CA412789365.

ClinVar aggregate classification (germline): Uncertain significance. Review status: criteria provided, multiple submitters, no conflicts (2 of 4 stars). 2 submissions from 2 submitters: Uncertain significance (2). Last evaluated 2023-12-09.

Allele frequency attached by ClinVar (database versions not stated): gnomAD exomes below 0.00001.
gnomAD v4.1: 2 of 1,207,207 alleles (0.00017%); highest among the groups gnomAD compares: Non-Finnish European, 0.00022%; no homozygotes.

Submissions (2):

Labcorp Genetics (formerly Invitae), Labcorp
Classification: Uncertain significance. Last evaluated: 2023-12-09. Review status: criteria provided, single submitter. Criteria: Invitae Variant Classification Sherloc (09022015). Collection method: clinical testing. Allele origin: germline.
Comment: This sequence change replaces valine, which is neutral and non-polar, with isoleucine, which is neutral and non-polar, at codon 1781 of the USP9X protein (p.Val1781Ile). This variant is not present in population databases (gnomAD no frequency). This variant has not been reported in the literature in individuals affected with USP9X-related conditions. An algorithm developed to predict the effect of missense changes on protein structure and function (PolyPhen-2) suggests that this variant is likely to be disruptive. In summary, the available evidence is currently insufficient to determine the role of this variant in disease. Therefore, it has been classified as a Variant of Uncertain Significance.

Blueprint Genetics
Classification: Uncertain significance. Last evaluated: 2019-10-08. Review status: criteria provided, single submitter. Criteria: ACMG Guidelines, 2015. Collection method: clinical testing. Allele origin: germline.